The following is an entry in ClinVar:

ClinVar aggregate classification (germline): Uncertain significance (1 of 4 stars; one submission).

Conditions:
Severe early-onset pulmonary alveolar proteinosis due to MARS deficiency. Also called: PULMONARY ALVEOLAR PROTEINOSIS, REUNION ISLAND; Interstitial lung and liver disease. Identifiers: Orphanet 440427, MedGen C4225400, MONDO:0014206, OMIM 615486.
Charcot-Marie-Tooth disease axonal type 2U. Also called: CHARCOT-MARIE-TOOTH NEUROPATHY, TYPE 2U; CHARCOT-MARIE-TOOTH DISEASE, AXONAL, AUTOSOMAL DOMINANT, TYPE 2U. Identifiers: Orphanet 397735, MedGen C4084821, MONDO:0014566, OMIM 616280.

Allele frequency attached by ClinVar (database versions not stated): gnomAD exomes below 0.00001.
gnomAD v4.1: 3 of 1,614,204 alleles (0.00019%); highest among the groups gnomAD compares: Non-Finnish European, 0.00025%; no homozygotes.

Submission:

Labcorp Genetics (formerly Invitae), Labcorp
Classification: Uncertain significance for Charcot-Marie-Tooth disease axonal type 2U; Severe early-onset pulmonary alveolar proteinosis due to MARS deficiency. Last evaluated: 2023-03-13. Review status: criteria provided, single submitter. Criteria: Invitae Variant Classification Sherloc (09022015). Collection method: clinical testing. Allele origin: germline.
Comment: In summary, the available evidence is currently insufficient to determine the role of this variant in disease. Therefore, it has been classified as a Variant of Uncertain Significance. Algorithms developed to predict the effect of sequence changes on RNA splicing suggest that this variant may disrupt the consensus splice site. An algorithm developed to predict the effect of missense changes on protein structure and function (PolyPhen-2) suggests that this variant is likely to be tolerated. This variant has not been reported in the literature in individuals affected with MARS-related conditions. This variant is not present in population databases (gnomAD no frequency). This sequence change replaces glutamine, which is neutral and polar, with arginine, which is basic and polar, at codon 821 of the MARS protein (p.Gln821Arg).

NM_004990.4(MARS1):c.2462A>G (p.Gln821Arg)

Gene: MARS1 (methionyl-tRNA synthetase 1; plus strand). Cytogenetic location: 12q13.3.
Variant type: single nucleotide variant.
Coding change: c.2462A>G on transcript NM_004990.4 (MANE Select); coding-DNA position 2462, A replaced by G.
Protein change: p.Gln821Arg; replaces glutamine 821 with arginine.
Molecular consequence: missense variant.
Genome position (GRCh38, 1-based): chr12:57,515,990, A>G. VCF-style: chr12-57515990-A-G. GRCh37 (hg19) VCF-style: chr12-57909773-A-G.
Other names: short protein forms Q821R.
Identifiers: ClinVar variation 2936578 (VCV002936578.3), dbSNP rs2540321763, ClinGen allele CA385467143.